The following is an entry in ClinVar:

NM_001386140.1(MTTP):c.1784G>A (p.Arg595Gln)

Gene: MTTP (microsomal triglyceride transfer protein; plus strand). Cytogenetic location: 4q23.
Variant type: single nucleotide variant.
Coding change: c.1784G>A on transcript NM_001386140.1 (MANE Select); coding-DNA position 1784, G replaced by A.
Protein change: p.Arg595Gln; replaces arginine 595 with glutamine.
Molecular consequence: missense variant.
Genome position (GRCh38, 1-based): chr4:99,611,157, G>A. VCF-style: chr4-99611157-G-A. GRCh37 (hg19) VCF-style: chr4-100532314-G-A.
Other names: p.Arg595Gln; c.1784G>A, p.Arg595Gln (NM_000253.4); c.1535G>A, p.Arg512Gln (NM_001300785.2); c.1784G>A (NM_000253.2); short protein forms R595Q, R512Q.
Identifiers: ClinVar variation 842211 (VCV000842211.5), dbSNP rs746293101, ClinGen allele CA3022202.

ClinVar aggregate classification (germline): Uncertain significance. Review status: criteria provided, multiple submitters, no conflicts (2 of 4 stars). 4 submissions from 4 submitters: Uncertain significance (3). 1 of the submissions does not count toward it. Last evaluated 2024-06-19.

Conditions:
Abetalipoproteinaemia (ABL). Also called: MTP DEFICIENCY; Abetalipoproteinemia; Abetalipoproteinemia neuropathy; Apolipoprotein B deficiency; Congenital betalipoprotein deficiency syndrome. Identifiers: Orphanet 14, MedGen C0000744, MONDO:0008692, OMIM 200100, HP:0008181.
Inborn genetic diseases. Identifiers: MedGen C0950123, MeSH D030342.

Allele frequency attached by ClinVar (database versions not stated): TOPMed 0.00001; ExAC 0.00002; gnomAD 0.00002.
gnomAD v4.1: 41 of 1,613,468 alleles (0.0025%); highest among the groups gnomAD compares: Non-Finnish European, 0.0031%; no homozygotes.

Submissions (4):

Mayo Clinic Laboratories, Mayo Clinic
Classification: Uncertain significance. Last evaluated: 2024-06-19. Review status: criteria provided, single submitter. Criteria: ACMG Guidelines, 2015. Collection method: clinical testing. Allele origin: germline. Observed: 1 variant allele.
Comment: BP4, PM2

Ambry Genetics
Classification: Uncertain significance for Inborn genetic diseases. Last evaluated: 2024-02-21. Review status: criteria provided, single submitter. Criteria: Ambry Variant Classification Scheme 2023. Collection method: clinical testing. Allele origin: germline.

Labcorp Genetics (formerly Invitae), Labcorp
Classification: Uncertain significance. Last evaluated: 2022-07-18. Review status: criteria provided, single submitter. Criteria: Invitae Variant Classification Sherloc (09022015). Collection method: clinical testing. Allele origin: germline.
Comment: This sequence change replaces arginine, which is basic and polar, with glutamine, which is neutral and polar, at codon 595 of the MTTP protein (p.Arg595Gln). This variant is present in population databases (rs746293101, gnomAD 0.002%). This variant has not been reported in the literature in individuals affected with MTTP-related conditions. ClinVar contains an entry for this variant (Variation ID: 842211). Algorithms developed to predict the effect of missense changes on protein structure and function output the following: SIFT: "Tolerated"; PolyPhen-2: "Benign"; Align-GVGD: "Class C0". The glutamine amino acid residue is found in multiple mammalian species, which suggests that this missense change does not adversely affect protein function. In summary, the available evidence is currently insufficient to determine the role of this variant in disease. Therefore, it has been classified as a Variant of Uncertain Significance.

Natera, Inc.
Classification: Uncertain significance for Abetalipoproteinemia. Last evaluated: 2020-04-21. Review status: no assertion criteria provided. Collection method: clinical testing. Allele origin: germline. Not counted in ClinVar's aggregate classification.